The following is an entry in ClinVar:

ClinVar aggregate classification (germline): Uncertain significance (1 of 4 stars; one submission).

Submission:

Labcorp Genetics (formerly Invitae), Labcorp
Classification: Uncertain significance. Last evaluated: 2022-08-05. Review status: criteria provided, single submitter. Criteria: Invitae Variant Classification Sherloc (09022015). Collection method: clinical testing. Allele origin: germline.
Comment: In summary, the available evidence is currently insufficient to determine the role of this variant in disease. Therefore, it has been classified as a Variant of Uncertain Significance. Advanced modeling of protein sequence and biophysical properties (such as structural, functional, and spatial information, amino acid conservation, physicochemical variation, residue mobility, and thermodynamic stability) performed at Invitae indicates that this missense variant is not expected to disrupt GRIN2D protein function. This variant has not been reported in the literature in individuals affected with GRIN2D-related conditions. The frequency data for this variant in the population databases is considered unreliable, as metrics indicate insufficient coverage at this position in the gnomAD database. This sequence change replaces serine, which is neutral and polar, with proline, which is neutral and non-polar, at codon 1064 of the GRIN2D protein (p.Ser1064Pro).

NM_000836.4(GRIN2D):c.3190T>C (p.Ser1064Pro)

Gene: GRIN2D (glutamate ionotropic receptor NMDA type subunit 2D; plus strand). Cytogenetic location: 19q13.33.
Variant type: single nucleotide variant.
Coding change: c.3190T>C on transcript NM_000836.4 (MANE Select); coding-DNA position 3190, T replaced by C.
Protein change: p.Ser1064Pro; replaces serine 1064 with proline.
Molecular consequence: missense variant.
Genome position (GRCh38, 1-based): chr19:48,443,116, T>C. VCF-style: chr19-48443116-T-C. GRCh37 (hg19) VCF-style: chr19-48946373-T-C.
Other names: short protein forms S1064P.
Identifiers: ClinVar variation 1715143 (VCV001715143.5), dbSNP rs2513692728, ClinGen allele CA406675067.